The following is an entry in ClinVar:

ClinVar aggregate classification (germline): Pathogenic (1 of 4 stars; one submission).

Conditions:
Hereditary cancer-predisposing syndrome. Also called: Neoplastic Syndromes, Hereditary; Tumor predisposition; Hereditary Cancer Syndrome; Hereditary neoplastic syndrome. Identifiers: Orphanet 140162, MedGen C0027672, MeSH D009386, MONDO:0015356.

Submission:

Ambry Genetics
Classification: Pathogenic for Hereditary cancer-predisposing syndrome. Last evaluated: 2026-05-15. Review status: criteria provided, single submitter. Criteria: Ambry Variant Classification Scheme 2023. Collection method: clinical testing. Allele origin: germline.
Comment: The c.2515_2516delAC pathogenic mutation, located in coding exon 6 of the PALB2 gene, results from a deletion of two nucleotides at nucleotide positions 2515 to 2516, causing a translational frameshift with a predicted alternate stop codon (p.T839*). This variant is considered to be rare based on population cohorts in the Genome Aggregation Database (gnomAD). This variant is expected to result in loss of function by premature protein truncation or nonsense-mediated mRNA decay. As such, this variant is interpreted as a disease-causing mutation.

NM_024675.4(PALB2):c.2515_2516del (p.Gln838_Thr839insTer)

Gene: PALB2 (partner and localizer of BRCA2; minus strand). Cytogenetic location: 16p12.2.
Variant type: Deletion.
Coding change: c.2515_2516del on transcript NM_024675.4 (MANE Select); coding-DNA positions 2515 to 2516, 2 bases deleted (AC; older notation c.2515_2516delAC).
Protein change: p.Gln838_Thr839insTer.
Molecular consequence: nonsense. On other transcripts: intron variant (1).
Genome position (GRCh38, 1-based): chr16:23,629,274-23,629,275, GT deleted on the plus strand (AC on the coding strand, the reverse complement: PALB2 is on the minus strand). VCF-style (leftmost placement, unchanged base first): chr16-23629273-AGT-A. GRCh37 (hg19) VCF-style: chr16-23640594-AGT-A.
Other names: c.1630_1631del, p.Gln543_Thr544insTer (NM_001407309.1, NM_001407310.1, NM_001407311.1 and 5 more transcripts); c.727_728del, p.Gln242_Thr243insTer (NM_001407312.1, NM_001407313.1); c.49_50del, p.Lys16_Thr17insTer (NM_001407314.1); c.2514+365_2514+366del (NM_001407297.1); c.2515_2516del, p.Gln838_Thr839insTer (NM_001407299.1, NM_001407300.1, NM_001407301.1 and 2 more transcripts); c.2455_2456del, p.Gln818_Thr819insTer (NM_001407296.1).
Identifiers: ClinVar variation 4861503 (VCV004861503.1).